The following is an entry in ClinVar:

NM_020987.5(ANK3):c.12672T>A (p.Asp4224Glu)

Gene: ANK3 (ankyrin 3; minus strand). Cytogenetic location: 10q21.2.
Variant type: single nucleotide variant.
Coding change: c.12672T>A on transcript NM_020987.5 (MANE Select); coding-DNA position 12672, T replaced by A.
Protein change: p.Asp4224Glu; replaces aspartic acid 4224 with glutamic acid.
Molecular consequence: missense variant.
Genome position (GRCh38, 1-based): chr10:60,059,354, A>T on the plus strand (T>A on the coding strand, the complement: ANK3 is on the minus strand). VCF-style: chr10-60059354-A-T. GRCh37 (hg19) VCF-style: chr10-61819112-A-T.
Other names: c.12672T>A (NM_020987.3); c.2544T>A, p.Asp848Glu (NM_001149.4); c.5124T>A, p.Asp1708Glu (NM_001204403.2); c.5145T>A, p.Asp1715Glu (NM_001204404.2); c.5142T>A, p.Asp1714Glu (NM_001320874.2); short protein forms D1708E, D1714E, D1715E, D4224E, D848E.
Identifiers: ClinVar variation 2640483 (VCV002640483.28), dbSNP rs753694698, ClinGen allele CA5510764.

ClinVar aggregate classification (germline): Conflicting classifications of pathogenicity. Review status: criteria provided, conflicting classifications (1 of 4 stars). 3 submissions from 3 submitters: Uncertain significance (1); Likely benign (2). Last evaluated 2025-08-12.

Conditions:
Inborn genetic diseases. Identifiers: MedGen C0950123, MeSH D030342.

Allele frequency attached by ClinVar (database versions not stated): gnomAD 0.00003; TOPMed 0.00003; gnomAD exomes 0.00005; ExAC 0.00011.
gnomAD v4.1: 73 of 1,613,760 alleles (0.0045%); highest among the groups gnomAD compares: South Asian, 0.052%; no homozygotes.

Submissions (3):

Labcorp Genetics (formerly Invitae), Labcorp
Classification: Uncertain significance. Last evaluated: 2025-08-12. Review status: criteria provided, single submitter. Criteria: Invitae Variant Classification Sherloc (09022015). Collection method: clinical testing. Allele origin: germline.
Comment: This sequence change replaces aspartic acid, which is acidic and polar, with glutamic acid, which is acidic and polar, at codon 4224 of the ANK3 protein (p.Asp4224Glu). This variant is present in population databases (rs753694698, gnomAD 0.04%). This variant has not been reported in the literature in individuals affected with ANK3-related conditions. ClinVar contains an entry for this variant (Variation ID: 2640483). An algorithm developed to predict the effect of missense changes on protein structure and function outputs the following: PolyPhen-2: "Probably Damaging". The glutamic acid amino acid residue is found in multiple mammalian species, which suggests that this missense change does not adversely affect protein function. In summary, the available evidence is currently insufficient to determine the role of this variant in disease. Therefore, it has been classified as a Variant of Uncertain Significance.

Ambry Genetics
Classification: Likely benign for Inborn genetic diseases. Last evaluated: 2024-07-07. Review status: criteria provided, single submitter. Criteria: Ambry Variant Classification Scheme 2023. Collection method: clinical testing. Allele origin: germline.

CeGaT Center for Human Genetics Tuebingen
Classification: Likely benign. Last evaluated: 2023-01-01. Review status: criteria provided, single submitter. Criteria: CeGaT Center For Human Genetics Tuebingen Variant Classification Criteria Version 2. Collection method: clinical testing. Allele origin: germline. Affected: yes. Observed: 1 variant allele.
Comment: ANK3: BP4